The following is an entry in ClinVar:

NM_032608.7(MYO18B):c.6005A>G (p.Lys2002Arg)

Gene: MYO18B (myosin XVIIIB; plus strand). Cytogenetic location: 22q12.1.
Variant type: single nucleotide variant.
Coding change: c.6005A>G on transcript NM_032608.7 (MANE Select); coding-DNA position 6005, A replaced by G.
Protein change: p.Lys2002Arg; replaces lysine 2002 with arginine.
Molecular consequence: missense variant.
Genome position (GRCh38, 1-based): chr22:25,955,213, A>G. VCF-style: chr22-25955213-A-G. GRCh37 (hg19) VCF-style: chr22-26351179-A-G.
Other names: c.6005A>G (NM_032608.6, NM_032608.5); c.6008A>G, p.Lys2003Arg (NM_001318245.2); short protein forms K2002R, K2003R.
Identifiers: ClinVar variation 1595147 (VCV001595147.12), dbSNP rs375437745, ClinGen allele CA10161368.

ClinVar aggregate classification (germline): Conflicting classifications of pathogenicity. Review status: criteria provided, conflicting classifications (1 of 4 stars). 4 submissions from 4 submitters: Uncertain significance (2); Likely benign (1). 1 of the submissions does not count toward it. Last evaluated 2025-12-15.

Conditions:
Klippel-Feil anomaly-myopathy-facial dysmorphism syndrome. Also called: Klippel-feil syndrome 4, autosomal recessive, with nemaline myopathy and facial dysmorphism; Klippel-Feil syndrome 4, autosomal recessive, with myopathy and facial dysmorphism. Identifiers: Orphanet 447974, MedGen C4225285, MONDO:0014689, OMIM 616549.
MYO18B-related disorder. Also called: MYO18B-related condition.
Inborn genetic diseases. Identifiers: MedGen C0950123, MeSH D030342.

Allele frequency attached by ClinVar (database versions not stated): gnomAD exomes 0.00006 and 0.00013; ExAC 0.00017; 1000 Genomes Project 30x 0.00031; 1000 Genomes Project 0.00040; ESP Exome Variant Server 0.00041; TOPMed 0.00080; gnomAD 0.00092 and 0.00100.
gnomAD v4.1: 230 of 1,612,992 alleles (0.014%); highest among the groups gnomAD compares: African/African-American, 0.29%; no homozygotes.

Submissions (4):

Labcorp Genetics (formerly Invitae), Labcorp
Classification: Likely benign. Last evaluated: 2025-12-15. Review status: criteria provided, single submitter. Criteria: Invitae Variant Classification Sherloc (09022015). Collection method: clinical testing. Allele origin: germline.

Revvity Omics, Revvity
Classification: Uncertain significance for Klippel-Feil anomaly-myopathy-facial dysmorphism syndrome. Last evaluated: 2025-06-19. Review status: criteria provided, single submitter. Criteria: ACMG Guidelines, 2015. Collection method: clinical testing. Allele origin: germline.

Ambry Genetics
Classification: Uncertain significance for Inborn genetic diseases. Last evaluated: 2024-10-01. Review status: criteria provided, single submitter. Criteria: Ambry Variant Classification Scheme 2023. Collection method: clinical testing. Allele origin: germline.

PreventionGenetics, part of Exact Sciences
Classification: Likely benign for MYO18B-related condition. Last evaluated: 2023-11-13. Review status: no assertion criteria provided. Collection method: clinical testing. Allele origin: germline. Not counted in ClinVar's aggregate classification.
Comment: This variant is classified as likely benign based on ACMG/AMP sequence variant interpretation guidelines (Richards et al. 2015 PMID: 25741868, with internal and published modifications).